The following is an entry in ClinVar:

ClinVar aggregate classification (germline): Uncertain significance (1 of 4 stars; one submission).

Submission:

GeneDx
Classification: Uncertain significance. Last evaluated: 2023-11-21. Review status: criteria provided, single submitter. Criteria: GeneDx Variant Classification Process June 2021. Collection method: clinical testing. Allele origin: germline. Affected: yes.
Comment: Not observed at significant frequency in large population cohorts (gnomAD); In silico analysis supports that this missense variant does not alter protein structure/function; Has not been previously published as pathogenic or benign to our knowledge

NM_001378120.1(MBD5):c.1772A>C (p.Gln591Pro)

Gene: MBD5 (methyl-CpG binding domain protein 5; plus strand). Cytogenetic location: 2q23.1.
Variant type: single nucleotide variant.
Coding change: c.1772A>C on transcript NM_001378120.1 (MANE Select); coding-DNA position 1772, A replaced by C.
Protein change: p.Gln591Pro; replaces glutamine 591 with proline.
Molecular consequence: missense variant.
Genome position (GRCh38, 1-based): chr2:148,469,715, A>C. VCF-style: chr2-148469715-A-C. GRCh37 (hg19) VCF-style: chr2-149227284-A-C.
Other names: c.1772A>C, p.Gln591Pro (NM_018328.5); short protein forms Q591P.
Identifiers: ClinVar variation 3364769 (VCV003364769.1).